The following is an entry in ClinVar:

ClinVar aggregate classification (germline): Benign. Review status: criteria provided, multiple submitters, no conflicts (2 of 4 stars). 8 submissions from 8 submitters: Benign (7). 1 of the submissions does not count toward it. Last evaluated 2026-01-30.

Conditions:
Succinyl-CoA acetoacetate transferase deficiency (SCOTD). Also called: Succinyl CoA:3-oxoacid CoA transferase deficiency; 3-Oxoacid CoA Transferase Deficiency; KETOACIDOSIS DUE TO SCOT DEFICIENCY; SCOT DEFICIENCY; SUCCINYL-CoA:3-KETOACID CoA-TRANSFERASE DEFICIENCY. Identifiers: Orphanet 832, MedGen C0342792, MONDO:0009492, OMIM 245050.

Allele frequency attached by ClinVar (database versions not stated): gnomAD exomes 0.06852; ExAC 0.07442; gnomAD 0.13193 and 0.13820; 1000 Genomes Project 0.13438; 1000 Genomes Project 30x 0.14101; TOPMed 0.14458; ESP Exome Variant Server 0.14747.
gnomAD v4.1: 107,681 of 1,612,298 alleles (6.7%); highest among the groups gnomAD compares: African/African-American, 34%; 6,945 homozygotes.

Submissions (8):

Labcorp Genetics (formerly Invitae), Labcorp
Classification: Benign for Succinyl-CoA acetoacetate transferase deficiency. Last evaluated: 2026-01-30. Review status: criteria provided, single submitter. Criteria: Invitae Variant Classification Sherloc (09022015). Collection method: clinical testing. Allele origin: germline.

Genome-Nilou Lab
Classification: Benign for Succinyl-CoA acetoacetate transferase deficiency. Last evaluated: 2021-09-05. Review status: criteria provided, single submitter. Criteria: ACMG Guidelines, 2015. Collection method: clinical testing. Allele origin: germline. Affected: no.

GeneDx
Classification: Benign. Last evaluated: 2021-06-20. Review status: criteria provided, single submitter. Criteria: GeneDx Variant Classification Process June 2021. Collection method: clinical testing. Allele origin: germline. Affected: yes.

Illumina Laboratory Services, Illumina
Classification: Benign for Succinyl-CoA acetoacetate transferase deficiency. Last evaluated: 2018-01-13. Review status: criteria provided, single submitter. Criteria: ICSL Variant Classification Criteria 13 December 2019. Collection method: clinical testing. Allele origin: germline.
Comment: This variant was observed in the ICSL laboratory as part of a predisposition screen in an ostensibly healthy population. It had not been previously curated by ICSL or reported in the Human Gene Mutation Database (HGMD: prior to June 1st, 2018), and was therefore a candidate for classification through an automated scoring system. Utilizing variant allele frequency, disease prevalence and penetrance estimates, and inheritance mode, an automated score was calculated to assess if this variant is too frequent to cause the disease. Based on the score and internal cut-off values, a variant classified as benign is not then subjected to further curation. The score for this variant resulted in a classification of benign for this disease.

Eurofins Ntd Llc (ga)
Classification: Benign. Last evaluated: 2014-06-06. Review status: criteria provided, single submitter. Criteria: EGL Classification Definitions 2015. Collection method: clinical testing. Allele origin: germline. Observed: 20 variant alleles, 18 heterozygotes, 2 homozygotes.

Breakthrough Genomics
Classification: Benign. Review status: criteria provided, single submitter. Criteria: ACMG Guidelines, 2015. Collection method: not provided. Allele origin: germline. Inheritance: Autosomal recessive inheritance. Affected: yes.

PreventionGenetics, part of Exact Sciences
Classification: Benign. Review status: criteria provided, single submitter. Criteria: ACMG Guidelines, 2015. Collection method: clinical testing. Allele origin: germline.

Mayo Clinic Laboratories, Mayo Clinic
Classification: Benign. Last evaluated: 2016-02-22. Review status: no assertion criteria provided. Collection method: clinical testing. Allele origin: unknown. Not counted in ClinVar's aggregate classification.

NM_000436.4(OXCT1):c.414+7A>C

Gene: OXCT1 (3-oxoacid CoA-transferase 1; minus strand). Cytogenetic location: 5p13.1.
Variant type: single nucleotide variant.
Coding change: c.414+7A>C on transcript NM_000436.4 (MANE Select); 7 bases into the intron after coding-DNA position 414, A replaced by C.
Molecular consequence: intron variant.
Genome position (GRCh38, 1-based): chr5:41,853,412, T>G on the plus strand (A>C on the coding strand, the complement: OXCT1 is on the minus strand). VCF-style: chr5-41853412-T-G. GRCh37 (hg19) VCF-style: chr5-41853514-T-G.
Other names: c.414+7A>C (NM_001364301.2, NM_001364302.2, NM_001364299.2); c.435+7A>C (NM_001364300.2).
Identifiers: ClinVar variation 93004 (VCV000093004.22), dbSNP rs7723992, ClinGen allele CA146169.
Genomic context (GRCh38, chr5:41,853,412, plus strand): 5'-TTTCCACGGAGAAAAAAGGAATTTTTAAAGTAAGTTAGTATTATAAAAGAAAAGCAAATT[T>G]TCTCACCTGTGGTGTCAGCTCCACTTCTAATTCACCAGATAAGTACTGTCGTTCAAATTC-3'